The following is an entry in ClinVar:

ClinVar aggregate classification (germline): Uncertain significance. Review status: criteria provided, multiple submitters, no conflicts (2 of 4 stars). 2 submissions from 2 submitters: Uncertain significance (2). Last evaluated 2023-02-24.

Conditions:
Hereditary cancer-predisposing syndrome. Also called: Neoplastic Syndromes, Hereditary; Tumor predisposition; Hereditary neoplastic syndrome; Hereditary Cancer Syndrome. Identifiers: Orphanet 140162, MedGen C0027672, MeSH D009386, MONDO:0015356.
Hereditary nonpolyposis colorectal neoplasms. Identifiers: MedGen C0009405, MeSH D003123.

Submissions (2):

Labcorp Genetics (formerly Invitae), Labcorp
Classification: Uncertain significance for Hereditary nonpolyposis colorectal neoplasms. Last evaluated: 2023-02-24. Review status: criteria provided, single submitter. Criteria: Invitae Variant Classification Sherloc (09022015). Collection method: clinical testing. Allele origin: germline.
Comment: Advanced modeling of protein sequence and biophysical properties (such as structural, functional, and spatial information, amino acid conservation, physicochemical variation, residue mobility, and thermodynamic stability) has been performed at Invitae for this missense variant, however the output from this modeling did not meet the statistical confidence thresholds required to predict the impact of this variant on MSH6 protein function. This sequence change replaces aspartic acid, which is acidic and polar, with glutamic acid, which is acidic and polar, at codon 938 of the MSH6 protein (p.Asp938Glu). This variant is not present in population databases (gnomAD no frequency). This variant has not been reported in the literature in individuals affected with MSH6-related conditions. In summary, the available evidence is currently insufficient to determine the role of this variant in disease. Therefore, it has been classified as a Variant of Uncertain Significance.

Ambry Genetics
Classification: Uncertain significance for Hereditary cancer-predisposing syndrome. Last evaluated: 2022-12-30. Review status: criteria provided, single submitter. Criteria: Ambry Variant Classification Scheme 2023. Collection method: clinical testing. Allele origin: germline.
Comment: The p.D938E variant (also known as c.2814C>G), located in coding exon 4 of the MSH6 gene, results from a C to G substitution at nucleotide position 2814. The aspartic acid at codon 938 is replaced by glutamic acid, an amino acid with highly similar properties. This amino acid position is conserved. In addition, this alteration is predicted to be deleterious by in silico analysis. Since supporting evidence is limited at this time, the clinical significance of this alteration remains unclear.

NM_000179.3(MSH6):c.2814C>G (p.Asp938Glu)

Gene: MSH6 (mutS homolog 6; plus strand). Cytogenetic location: 2p16.3.
Variant type: single nucleotide variant.
Coding change: c.2814C>G on transcript NM_000179.3 (MANE Select); coding-DNA position 2814, C replaced by G.
Protein change: p.Asp938Glu; replaces aspartic acid 938 with glutamic acid.
Molecular consequence: missense variant. On other transcripts: non-coding transcript variant (5), intron variant (2).
Genome position (GRCh38, 1-based): chr2:47,800,797, C>G. VCF-style: chr2-47800797-C-G. GRCh37 (hg19) VCF-style: chr2-48027936-C-G.
Other names: c.2424C>G, p.Asp808Glu (NM_001281492.2); c.1908C>G, p.Asp636Glu (NM_001281493.2, NM_001281494.2, NM_001406811.1 and 6 more transcripts); c.2910C>G, p.Asp970Glu (NM_001406795.1, NM_001406802.1); c.2814C>G, p.Asp938Glu (NM_001406796.1, NM_001406798.1, NM_001406800.1 and 2 more transcripts); c.2517C>G, p.Asp839Glu (NM_001406797.1, NM_001406801.1, NM_001406805.1 and 10 more transcripts); c.2289C>G, p.Asp763Glu (NM_001406799.1, NM_001406806.1, NM_001406807.1); c.2736C>G, p.Asp912Glu (NM_001406804.1); c.2820C>G, p.Asp940Glu (NM_001406813.1); and 4 more; short protein forms D763E, D808E, D970E, D839E, D938E, D253E, D636E, D882E.
Identifiers: ClinVar variation 2453185 (VCV002453185.5), dbSNP rs1572728798, ClinGen allele CA346755640.
Genomic context (GRCh38, chr2:47,800,797, plus strand): 5'-TGAAAAGGCTCGAAAGACTGGACTTATTACTCCCAAAGCAGGCTTTGACTCTGATTATGA[C>G]CAAGCTCTTGCTGACATAAGAGAAAATGAACAGAGCCTCCTGGAATACCTAGAGAAACAG-3'
Protein context (NP_000170.1, residues 928-948): TPKAGFDSDY[Asp938Glu]QALADIRENE